The following is an entry in ClinVar:

ClinVar aggregate classification (germline): Uncertain significance (1 of 4 stars; one submission).

Conditions:
Hereditary spastic paraplegia 30. Identifiers: Orphanet 101010, MedGen C5235139, MONDO:0012476.
Neuropathy, hereditary sensory, type 2C. Also called: Hereditary sensory and autonomic neuropathy type IIC; KIF1A-Related HSAN2 (HSAN2C). Identifiers: Orphanet 970, MedGen C3280168, MONDO:0013634, OMIM 614213.
Intellectual disability, autosomal dominant 9 (NESCAVS). Also called: NESCAV SYNDROME; KIF1A-Related Neurodevelopmental Disorder. Identifiers: Orphanet 662367, MedGen C5393830, MONDO:0013656, OMIM 614255.

Submission:

Labcorp Genetics (formerly Invitae), Labcorp
Classification: Uncertain significance for Hereditary spastic paraplegia 30; Neuropathy, hereditary sensory, type 2C; Intellectual disability, autosomal dominant 9. Last evaluated: 2022-09-01. Review status: criteria provided, single submitter. Criteria: Invitae Variant Classification Sherloc (09022015). Collection method: clinical testing. Allele origin: germline.
Comment: In summary, the available evidence is currently insufficient to determine the role of this variant in disease. Therefore, it has been classified as a Variant of Uncertain Significance. Algorithms developed to predict the effect of missense changes on protein structure and function are either unavailable or do not agree on the potential impact of this missense change (SIFT: "Deleterious"; PolyPhen-2: "Benign"; Align-GVGD: "Class C0"). ClinVar contains an entry for this variant (Variation ID: 1382689). This variant has not been reported in the literature in individuals affected with KIF1A-related conditions. This variant is not present in population databases (gnomAD no frequency). This sequence change replaces cysteine, which is neutral and slightly polar, with tyrosine, which is neutral and polar, at codon 609 of the KIF1A protein (p.Cys609Tyr).

NM_001244008.2(KIF1A):c.1853G>A (p.Cys618Tyr)

Gene: KIF1A (kinesin family member 1A; minus strand). Cytogenetic location: 2q37.3.
Variant type: single nucleotide variant.
Coding change: c.1853G>A on transcript NM_001244008.2 (MANE Select); coding-DNA position 1853, G replaced by A.
Protein change: p.Cys618Tyr; replaces cysteine 618 with tyrosine.
Molecular consequence: missense variant.
Genome position (GRCh38, 1-based): chr2:240,763,262, C>T on the plus strand (G>A on the coding strand, the complement: KIF1A is on the minus strand). VCF-style: chr2-240763262-C-T. GRCh37 (hg19) VCF-style: chr2-241702679-C-T.
Other names: c.1853G>A, p.Cys618Tyr (NM_001320705.2, NM_001330289.2, NM_001379638.1); c.1928G>A, p.Cys643Tyr (NM_001330290.2, NM_001379631.1, NM_001379634.1 and 2 more transcripts); c.1826G>A, p.Cys609Tyr (NM_001379632.1, NM_001379633.1, NM_001379636.1 and 10 more transcripts); c.1901G>A, p.Cys634Tyr (NM_001379637.1, NM_001379648.1); short protein forms C634Y, C609Y, C618Y, C643Y.
Identifiers: ClinVar variation 1382689 (VCV001382689.6), dbSNP rs2125905862, ClinGen allele CA351327140.